The following continues an entry in ClinVar:

NM_016203.4(PRKAG2):c.1114G>A (p.Asp372Asn)

Gene: PRKAG2. ClinVar aggregate classification (germline): Uncertain significance. Uncertain significance (12).

Submissions 8 to 16 of 16:

Clinical Genomics Laboratory, Stanford Medicine
Classification: Uncertain significance for Hypertrophic cardiomyopathy 6. Last evaluated: 2021-07-23. Review status: criteria provided, single submitter. Criteria: ACMG Guidelines, 2015. Collection method: clinical testing. Allele origin: germline. Affected: yes. Observed: 1 heterozygote.
Comment: The p.Asp372Asn variant in the PRKAG2gene has been previously reported in an individual with unknown arrhythmia as part of an inherited cardiac disease cohort undergoing arrhythmia and cardiomyopathy gene panel testing (van Lint et al., 2019). This variant has been identified in 5/251,332 chromosomes by the Genome AggregationDatabase. Although this variant has been seen in the general population, it has not been observed at a frequency high enough to rule out pathogenicity. The aspartic acid at position 372 is highly evolutionarily conserved. Computational tools predict that the p.Asp372Asn variant is deleterious; however, the accuracy of in silicoalgorithms is limited. These data were assessed using the ACMG/AMP variant interpretation guidelines. In summary, the significance of the p.Asp372Asn variant is uncertain. Additional information is needed to resolve the significance of this variant.[ACMG evidence codes used: PM2; PP3]

GeneDx
Classification: Uncertain significance. Last evaluated: 2021-02-04. Review status: criteria provided, single submitter. Criteria: GeneDx Variant Classification Process June 2021. Collection method: clinical testing. Allele origin: germline. Affected: yes.
Comment: Observed in a patient with arrhythmia (van Lint et al., 2019); however, additional clinical information was not provided; Reported in ClinVar as a variant of uncertain significance (ClinVar Variant ID# 465337; Landrum et al., 2016); Not observed at a significant frequency in large population cohorts (Lek et al., 2016); In silico analysis supports that this missense variant has a deleterious effect on protein structure/function; This variant is associated with the following publications: (PMID: 30847666)

CHEO Genetics Diagnostic Laboratory, Children's Hospital of Eastern Ontario
Classification: Uncertain significance for Cardiomyopathy. Last evaluated: 2020-08-31. Review status: criteria provided, single submitter. Criteria: ACMG Guidelines, 2015. Collection method: clinical testing. Allele origin: germline.

Illumina Laboratory Services, Illumina
Classification: Uncertain significance for Wolff-Parkinson-White pattern. Last evaluated: 2018-01-13. Review status: criteria provided, single submitter. Criteria: ICSL Variant Classification Criteria 13 December 2019. Collection method: clinical testing. Allele origin: germline.

Illumina Laboratory Services, Illumina
Classification: Uncertain significance for Hypertrophic cardiomyopathy 6. Last evaluated: 2018-01-13. Review status: criteria provided, single submitter. Criteria: ICSL Variant Classification Criteria 13 December 2019. Collection method: clinical testing. Allele origin: germline.

Clinical Genetics DNA and cytogenetics Diagnostics Lab, Erasmus MC, Erasmus Medical Center
Classification: Uncertain significance. Review status: no assertion criteria provided. Collection method: clinical testing. Allele origin: germline. Affected: yes. Study: VKGL Data-share Consensus. Not counted in ClinVar's aggregate classification.

Clinical Genetics, Academic Medical Center
Classification: Uncertain significance. Review status: no assertion criteria provided. Collection method: clinical testing. Allele origin: germline. Affected: yes. Study: VKGL Data-share Consensus. Not counted in ClinVar's aggregate classification.

Diagnostic Laboratory, Department of Genetics, University Medical Center Groningen
Classification: Uncertain significance. Review status: no assertion criteria provided. Collection method: clinical testing. Allele origin: germline. Affected: yes. Study: VKGL Data-share Consensus. Not counted in ClinVar's aggregate classification.

Genome Diagnostics Laboratory, University Medical Center Utrecht
Classification: Uncertain significance. Review status: no assertion criteria provided. Collection method: clinical testing. Allele origin: germline. Affected: yes. Study: VKGL Data-share Consensus. Not counted in ClinVar's aggregate classification.

Literature cited by the submitters: PubMed 30847666 (cited by 5 submitters); PubMed 35600473 (cited by 3 submitters).